The following is an entry in ClinVar:

NM_002354.3(EPCAM):c.461A>G (p.Glu154Gly)

Gene: EPCAM (epithelial cell adhesion molecule; plus strand). Cytogenetic location: 2p21.
Variant type: single nucleotide variant.
Coding change: c.461A>G on transcript NM_002354.3 (MANE Select); coding-DNA position 461, A replaced by G.
Protein change: p.Glu154Gly; replaces glutamic acid 154 with glycine.
Molecular consequence: missense variant.
Genome position (GRCh38, 1-based): chr2:47,375,269, A>G. VCF-style: chr2-47375269-A-G. GRCh37 (hg19) VCF-style: chr2-47602408-A-G.
Other names: short protein forms E154G.
Identifiers: ClinVar variation 3222114 (VCV003222114.1), dbSNP rs2465460645, ClinGen allele CA346723605.

ClinVar aggregate classification (germline): Uncertain significance (1 of 4 stars; one submission).

Conditions:
Hereditary cancer-predisposing syndrome. Also called: Tumor predisposition; Hereditary neoplastic syndrome; Hereditary Cancer Syndrome; Neoplastic Syndromes, Hereditary. Identifiers: Orphanet 140162, MedGen C0027672, MeSH D009386, MONDO:0015356.

Submission:

Ambry Genetics
Classification: Uncertain significance for Hereditary cancer-predisposing syndrome. Last evaluated: 2024-01-26. Review status: criteria provided, single submitter. Criteria: Ambry Variant Classification Scheme 2023. Collection method: clinical testing. Allele origin: germline.
Comment: The p.E154G variant (also known as c.461A>G), located in coding exon 4 of the EPCAM gene, results from an A to G substitution at nucleotide position 461. The glutamic acid at codon 154 is replaced by glycine, an amino acid with similar properties. This amino acid position is conserved. In addition, this alteration is predicted to be tolerated by in silico analysis. Based on the available evidence, the clinical significance of this alteration remains unclear.